The following is an entry in ClinVar:

ClinVar aggregate classification (germline): Uncertain significance (1 of 4 stars; one submission).

Allele frequency attached by ClinVar (database versions not stated): gnomAD 0.00001.
gnomAD v4.1: 5 of 1,551,076 alleles (0.00032%); highest among the groups gnomAD compares: Non-Finnish European, 0.00044%; no homozygotes.

Submission:

Labcorp Genetics (formerly Invitae), Labcorp
Classification: Uncertain significance. Last evaluated: 2022-05-13. Review status: criteria provided, single submitter. Criteria: Invitae Variant Classification Sherloc (09022015). Collection method: clinical testing. Allele origin: germline.
Comment: This sequence change replaces methionine, which is neutral and non-polar, with leucine, which is neutral and non-polar, at codon 2535 of the UNC80 protein (p.Met2535Leu). This variant is present in population databases (no rsID available, gnomAD 0.002%). This variant has not been reported in the literature in individuals affected with UNC80-related conditions. Algorithms developed to predict the effect of missense changes on protein structure and function are either unavailable or do not agree on the potential impact of this missense change (SIFT: "Not Available"; PolyPhen-2: "Possibly Damaging"; Align-GVGD: "Not Available"). In summary, the available evidence is currently insufficient to determine the role of this variant in disease. Therefore, it has been classified as a Variant of Uncertain Significance.

NM_001371986.1(UNC80):c.7801A>T (p.Met2601Leu)

Gene: UNC80 (unc-80 homolog, NALCN channel complex subunit; plus strand). Cytogenetic location: 2q34.
Variant type: single nucleotide variant.
Coding change: c.7801A>T on transcript NM_001371986.1 (MANE Select); coding-DNA position 7801, A replaced by T.
Protein change: p.Met2601Leu; replaces methionine 2601 with leucine.
Molecular consequence: missense variant.
Genome position (GRCh38, 1-based): chr2:209,959,703, A>T. VCF-style: chr2-209959703-A-T. GRCh37 (hg19) VCF-style: chr2-210824427-A-T.
Other names: c.7603A>T, p.Met2535Leu (NM_032504.2); c.7588A>T, p.Met2530Leu (NM_182587.4); short protein forms M2601L, M2530L, M2535L.
Identifiers: ClinVar variation 1489828 (VCV001489828.3), dbSNP rs1225972802, ClinGen allele CA350777071.
Genomic context (GRCh38, chr2:209,959,703, plus strand): 5'-CAAAATCTGGCTGGGGAGCCTCGGGTCATTGCCTTGGAACTGCTGGATGTGAAGTCTCAC[A>T]TGAGGTACTGGCCTCGCTTTCCCTGCCCCAAGTGTGAACACAGCTTGGCCCATGTGTCTG-3'
Protein context (NP_001358915.1, residues 2591-2611): ALELLDVKSH[Met2601Leu]RLAEIAHSLL